The following is an entry in ClinVar:

NM_000092.5(COL4A4):c.3634A>G (p.Arg1212Gly)

Gene: COL4A4 (collagen type IV alpha 4 chain; minus strand). Cytogenetic location: 2q36.3.
Variant type: single nucleotide variant.
Coding change: c.3634A>G on transcript NM_000092.5 (MANE Select); coding-DNA position 3634, A replaced by G.
Protein change: p.Arg1212Gly; replaces arginine 1212 with glycine.
Molecular consequence: missense variant.
Genome position (GRCh38, 1-based): chr2:227,032,220, T>C on the plus strand (A>G on the coding strand, the complement: COL4A4 is on the minus strand). VCF-style: chr2-227032220-T-C. GRCh37 (hg19) VCF-style: chr2-227896936-T-C.
Other names: short protein forms R1212G.
Identifiers: ClinVar variation 2138816 (VCV002138816.6), dbSNP rs374164087, ClinGen allele CA2144466.

ClinVar aggregate classification (germline): Conflicting classifications of pathogenicity. Review status: criteria provided, conflicting classifications (1 of 4 stars). 3 submissions from 3 submitters: Uncertain significance (1); Benign (1). 1 of the submissions does not count toward it. Last evaluated 2025-06-12.

Conditions:
COL4A4-related disorder.

Allele frequency attached by ClinVar (database versions not stated): ExAC 0.00002; gnomAD exomes 0.00002; ESP Exome Variant Server 0.00008; gnomAD 0.00010; TOPMed 0.00014; 1000 Genomes Project 0.00020; 1000 Genomes Project 30x 0.00031.
gnomAD v4.1: 28 of 1,614,060 alleles (0.0017%); highest among the groups gnomAD compares: African/African-American, 0.021%; no homozygotes.

Submissions (3):

Labcorp Genetics (formerly Invitae), Labcorp
Classification: Benign. Last evaluated: 2025-06-12. Review status: criteria provided, single submitter. Criteria: Invitae Variant Classification Sherloc (09022015). Collection method: clinical testing. Allele origin: germline.

GeneDx
Classification: Uncertain significance. Last evaluated: 2024-07-05. Review status: criteria provided, single submitter. Criteria: GeneDx Variant Classification Process June 2021. Collection method: clinical testing. Allele origin: germline. Affected: yes.
Comment: In silico analysis supports that this missense variant has a deleterious effect on protein structure/function; Occurs in the triple helical domain at the Y position in the canonical Gly-X-Y repeat; although this variant may have an effect on normal protein folding and function, missense substitution at the Y position is not a common mechanism of disease; Has not been previously published as pathogenic or benign to our knowledge

PreventionGenetics, part of Exact Sciences
Classification: Uncertain significance for COL4A4-related condition. Last evaluated: 2024-06-04. Review status: no assertion criteria provided. Collection method: clinical testing. Allele origin: germline. Not counted in ClinVar's aggregate classification.
Comment: The COL4A4 c.3634A>G variant is predicted to result in the amino acid substitution p.Arg1212Gly. To our knowledge, this variant has not been reported in the literature. This variant is reported in 0.050% of alleles in individuals of African descent in gnomAD. At this time, the clinical significance of this variant is uncertain due to the absence of conclusive functional and genetic evidence.